The following is an entry in ClinVar:

ClinVar aggregate classification (germline): Likely benign. Review status: criteria provided, multiple submitters, no conflicts (2 of 4 stars). 2 submissions from 2 submitters: Likely benign (2). Last evaluated 2025-11-06.

Conditions:
PLEC-related disorder. Also called: PLEC-related disorders; PLEC-related condition.
Epidermolysis bullosa simplex with nail dystrophy (EBS5D). Identifiers: MedGen C4225309, MONDO:0014661, OMIM 616487.
Epidermolysis bullosa simplex 5B, with muscular dystrophy (EBS5B). Also called: Epidermolysis bullosa simplex with muscular dystrophy; EPIDERMOLYSIS BULLOSA SIMPLEX AND LIMB-GIRDLE MUSCULAR DYSTROPHY. Identifiers: Orphanet 257, MedGen C2931072, MONDO:0009181, OMIM 226670.
Autosomal recessive limb-girdle muscular dystrophy type 2Q (LGMDR17). Also called: MUSCULAR DYSTROPHY, LIMB-GIRDLE, AUTOSOMAL RECESSIVE 17. Identifiers: Orphanet 254361, MedGen C3150989, MONDO:0013390, OMIM 613723.
Epidermolysis bullosa simplex 5C, with pyloric atresia (EBS5C). Also called: PLEC-Related Epidermolysis Bullosa with Pyloric Atresia; Epidermolysis bullosa simplex with pyloric atresia; PLEC1-Related Epidermolysis Bullosa with Pyloric Atresia. Identifiers: Orphanet 158684, MedGen C2677349, MONDO:0012807, OMIM 612138.
Epidermolysis bullosa simplex, Ogna type (EBS5A). Also called: Pidermolysis bullosa simplex 5A, Ogna type; EPIDERMOLYSIS BULLOSA SIMPLEX 5A, OGNA TYPE. Identifiers: Orphanet 79401, MedGen C0432317, MONDO:0007555, OMIM 131950.

Allele frequency attached by ClinVar (database versions not stated): gnomAD 0.00001; gnomAD exomes 0.00001; TOPMed 0.00002.
gnomAD v4.1: 6 of 1,612,918 alleles (0.00037%); highest among the groups gnomAD compares: Admixed American, 0.0033%; no homozygotes.

Submissions (2):

PreventionGenetics, part of Exact Sciences
Classification: Likely benign for PLEC-related condition. Last evaluated: 2025-11-06. Review status: criteria provided, single submitter. Criteria: ACMG Guidelines, 2015. Collection method: clinical testing. Allele origin: germline.
Comment: This variant is classified as likely benign based on ACMG/AMP sequence variant interpretation guidelines (Richards et al. 2015 PMID: 25741868, with internal and published modifications).

Labcorp Genetics (formerly Invitae), Labcorp
Classification: Likely benign for Autosomal recessive limb-girdle muscular dystrophy type 2Q; Epidermolysis bullosa simplex, Ogna type; Epidermolysis bullosa simplex with nail dystrophy; Epidermolysis bullosa simplex 5C, with pyloric atresia; Epidermolysis bullosa simplex 5B, with muscular dystrophy. Last evaluated: 2025-03-13. Review status: criteria provided, single submitter. Criteria: Invitae Variant Classification Sherloc (09022015). Collection method: clinical testing. Allele origin: germline.

NM_201384.3(PLEC):c.504G>A (p.Ser168=)

Gene: PLEC (plectin; minus strand). Cytogenetic location: 8q24.3.
Variant type: single nucleotide variant.
Coding change: c.504G>A on transcript NM_201384.3 (MANE Select); coding-DNA position 504, G replaced by A.
Protein change: p.Ser168=; no amino-acid change (serine 168 retained).
Molecular consequence: synonymous variant.
Genome position (GRCh38, 1-based): chr8:143,935,946, C>T on the plus strand (G>A on the coding strand, the complement: PLEC is on the minus strand). VCF-style: chr8-143935946-C-T. GRCh37 (hg19) VCF-style: chr8-145010114-C-T.
Other names: c.585G>A, p.Ser195= (NM_000445.5); c.462G>A, p.Ser154= (NM_201378.4); c.438G>A, p.Ser146= (NM_201379.3); c.915G>A, p.Ser305= (NM_201380.4); c.408G>A, p.Ser136= (NM_201381.3); c.504G>A, p.Ser168= (NM_201382.4); c.516G>A, p.Ser172= (NM_201383.3).
Identifiers: ClinVar variation 703476 (VCV000703476.8), dbSNP rs1554722921, ClinGen allele CA463435234.